The following is an entry in ClinVar:

NM_001365999.1(SZT2):c.4807G>T (p.Val1603Phe)

Gene: SZT2 (SZT2 subunit of KICSTOR complex; plus strand). Cytogenetic location: 1p34.2.
Variant type: single nucleotide variant.
Coding change: c.4807G>T on transcript NM_001365999.1 (MANE Select); coding-DNA position 4807, G replaced by T.
Protein change: p.Val1603Phe; replaces valine 1603 with phenylalanine.
Molecular consequence: missense variant.
Genome position (GRCh38, 1-based): chr1:43,430,981, G>T. VCF-style: chr1-43430981-G-T. GRCh37 (hg19) VCF-style: chr1-43896652-G-T.
Other names: c.4636G>T, p.Val1546Phe (NM_015284.4); c.4636G>T (NM_015284.3); short protein forms V1546F, V1603F.
Identifiers: ClinVar variation 1027145 (VCV001027145.8), dbSNP rs537199503, ClinGen allele CA809382.

ClinVar aggregate classification (germline): Uncertain significance. Review status: criteria provided, multiple submitters, no conflicts (2 of 4 stars). 2 submissions from 2 submitters: Uncertain significance (2). Last evaluated 2025-10-13.

Conditions:
Inborn genetic diseases. Identifiers: MedGen C0950123, MeSH D030342.

Allele frequency attached by ClinVar (database versions not stated): gnomAD 0.00002 and 0.00001; ExAC 0.00003; gnomAD exomes 0.00003 and 0.00002; 1000 Genomes Project 30x 0.00031; TOPMed 0.00001; 1000 Genomes Project 0.00020.
gnomAD v4.1: 53 of 1,614,112 alleles (0.0033%); highest among the groups gnomAD compares: South Asian, 0.053%; 2 homozygotes.

Submissions (2):

Labcorp Genetics (formerly Invitae), Labcorp
Classification: Uncertain significance. Last evaluated: 2025-10-13. Review status: criteria provided, single submitter. Criteria: Invitae Variant Classification Sherloc (09022015). Collection method: clinical testing. Allele origin: germline.
Comment: This sequence change replaces valine, which is neutral and non-polar, with phenylalanine, which is neutral and non-polar, at codon 1546 of the SZT2 protein (p.Val1546Phe). This variant is present in population databases (rs537199503, gnomAD 0.02%). This variant has not been reported in the literature in individuals affected with SZT2-related conditions. ClinVar contains an entry for this variant (Variation ID: 1027145). Invitae Evidence Modeling of protein sequence and biophysical properties (such as structural, functional, and spatial information, amino acid conservation, physicochemical variation, residue mobility, and thermodynamic stability) indicates that this missense variant is not expected to disrupt SZT2 protein function with a negative predictive value of 80%. In summary, the available evidence is currently insufficient to determine the role of this variant in disease. Therefore, it has been classified as a Variant of Uncertain Significance.

Ambry Genetics
Classification: Uncertain significance for Inborn genetic diseases. Last evaluated: 2025-04-09. Review status: criteria provided, single submitter. Criteria: Ambry Variant Classification Scheme 2023. Collection method: clinical testing. Allele origin: germline.